The following is an entry in ClinVar:

NM_001374828.1(ARID1B):c.6842del (p.Asn2281fs)

Gene: ARID1B (AT-rich interaction domain 1B; plus strand). Cytogenetic location: 6q25.3.
Variant type: Deletion.
Coding change: c.6842del on transcript NM_001374828.1 (MANE Select); coding-DNA position 6842, one base deleted (A; older notation c.6842delA).
Protein change: p.Asn2281fs; shifts the reading frame from asparagine 2281.
Molecular consequence: frameshift variant.
Genome position (GRCh38, 1-based): chr6:157,207,614, A deleted; the last of 3 consecutive A bases (chr6:157,207,612-157,207,614); deleting any one gives the same sequence. VCF-style (leftmost placement, unchanged base first): chr6-157207611-GA-G. GRCh37 (hg19) VCF-style: chr6-157528745-GA-G.
Other names: c.4343del, p.Asn1448fs (NM_001363725.2); c.6722del, p.Asn2241fs (NM_001371656.1, NM_001374820.1); c.6683del, p.Asn2228fs (NM_017519.3); short protein forms N1448fs, N2228fs, N2241fs, N2281fs.
Identifiers: ClinVar variation 635084 (VCV000635084.1), dbSNP rs1562354784, ClinGen allele CA658795130.
Genomic context (GRCh38, chr6:157,207,611, plus strand): 5'-ACCTTGCCCAAGGGGACGCACTAGCAGCAAGGGCCATAGCTGTGCAGAAAGGAAGCATTG[GA>G]AACTTGATAAGCTTCCTAGAGGATGGGGTCACGATGGCCCAGTACCAGCAGAGCCAGCAC-3'

ClinVar aggregate classification (germline): Likely pathogenic (1 of 4 stars; one submission).

Conditions:
Coffin-Siris syndrome 1 (CSS1). Also called: ARID1B-Related Coffin-Siris Syndrome; Mental retardation, autosomal dominant 12. Identifiers: Orphanet 1465, MedGen C3281201, MONDO:0007617, OMIM 135900. Disease mechanism: gain of function.

Submission:

Broad Center for Mendelian Genomics, Broad Institute of MIT and Harvard
Classification: Likely pathogenic for Coffin-Siris syndrome 1. Last evaluated: 2018-06-15. Review status: criteria provided, single submitter. Criteria: ACMG Guidelines, 2015. Collection method: research. Allele origin: germline. Inheritance: Autosomal dominant inheritance. Affected: yes.
Comment: Trio exome analysis showed this variant to be de novo. This variant was absent from large population studies. Loss of function of the ARID1B gene is an established disease mechanism in Coffin-Siris syndrome, and this is a loss of function variant. In summary, although additional studies are required to fully establish its pathogenicity, this variant is likely pathogenic.